The following is an entry in ClinVar:

ClinVar aggregate classification (germline): Likely benign. Review status: criteria provided, single submitter (1 of 4 stars). 2 submissions from 2 submitters: Likely benign (1). 1 of the submissions does not count toward it. Last evaluated 2023-03-08.

Conditions:
FAT1-related disorder. Also called: FAT1-related condition.

Allele frequency attached by ClinVar (database versions not stated): gnomAD 0.00003; gnomAD exomes 0.00005.
gnomAD v4.1: 80 of 1,613,860 alleles (0.005%); highest among the groups gnomAD compares: Admixed American, 0.015%; no homozygotes.

Submissions (2):

Labcorp Genetics (formerly Invitae), Labcorp
Classification: Likely benign. Last evaluated: 2023-03-08. Review status: criteria provided, single submitter. Criteria: Invitae Variant Classification Sherloc (09022015). Collection method: clinical testing. Allele origin: germline.

PreventionGenetics, part of Exact Sciences
Classification: Likely benign for FAT1-related condition. Last evaluated: 2021-04-29. Review status: no assertion criteria provided. Collection method: clinical testing. Allele origin: germline. Not counted in ClinVar's aggregate classification.
Comment: This variant is classified as likely benign based on ACMG/AMP sequence variant interpretation guidelines (Richards et al. 2015 PMID: 25741868, with internal and published modifications).

NM_005245.4(FAT1):c.7956C>T (p.Ser2652=)

Gene: FAT1 (FAT atypical cadherin 1; minus strand). Cytogenetic location: 4q35.2.
Variant type: single nucleotide variant.
Coding change: c.7956C>T on transcript NM_005245.4 (MANE Select); coding-DNA position 7956, C replaced by T.
Protein change: p.Ser2652=; no amino-acid change (serine 2652 retained).
Molecular consequence: synonymous variant.
Genome position (GRCh38, 1-based): chr4:186,618,630, G>A on the plus strand (C>T on the coding strand, the complement: FAT1 is on the minus strand). VCF-style: chr4-186618630-G-A. GRCh37 (hg19) VCF-style: chr4-187539784-G-A.
Other names: c.7956C>T (NM_005245.3).
Identifiers: ClinVar variation 2885584 (VCV002885584.5), dbSNP rs567519715, ClinGen allele CA3165966.